The following is an entry in ClinVar:

ClinVar aggregate classification (germline): Pathogenic. Review status: criteria provided, multiple submitters, no conflicts (2 of 4 stars). 8 submissions from 8 submitters: Pathogenic (7). 1 of the submissions does not count toward it. Last evaluated 2024-10-17.

Conditions:
SURF1-related disorder. Also called: SURF1-related condition.
Mitochondrial complex IV deficiency, nuclear type 1 (MC4DN1). Also called: COX DEFICIENCY; Complex 4 mitochondrial respiratory chain deficiency; Deficiency of mitochondrial respiratory chain complex4; Complex IV deficiency; Mitochondrial complex IV deficiency. Identifiers: MedGen C5435656, MONDO:0700250, OMIM 220110. Disease mechanism: loss of function.
Charcot-Marie-Tooth disease type 4K. Also called: CHARCOT-MARIE-TOOTH DISEASE, DEMYELINATING, TYPE 4K; CHARCOT-MARIE-TOOTH DISEASE, DEMYELINATING, AUTOSOMAL RECESSIVE, TYPE 4K; CHARCOT-MARIE-TOOTH NEUROPATHY, DEMYELINATING, AUTOSOMAL RECESSIVE, TYPE 4K. Identifiers: Orphanet 391351, MedGen C4225246, MONDO:0014733, OMIM 616684.
Mitochondrial disease. Also called: Mitochondrial disorders; Mitochondrial disorder. Identifiers: Orphanet 68380, MedGen C0751651, MeSH D028361, MONDO:0044970.
Leigh syndrome (NULS). Also called: Leigh's syndrome; Necrotizing encephalopathy infantile subacute of Leigh; Leigh's necrotizing encephalopathy; Leigh's disease; Leigh Disease; Subacute necrotizing encephalopathy. Identifiers: Orphanet 506, MedGen C2931891, MONDO:0009723, OMIM 256000.

Allele frequency attached by ClinVar (database versions not stated): gnomAD exomes 0.00001; TOPMed 0.00001; ExAC 0.00001.

Submissions (8):

Labcorp Genetics (formerly Invitae), Labcorp
Classification: Pathogenic for Leigh syndrome. Last evaluated: 2024-10-17. Review status: criteria provided, single submitter. Criteria: Invitae Variant Classification Sherloc (09022015). Collection method: clinical testing. Allele origin: germline.
Comment: This sequence change creates a premature translational stop signal (p.Gln251*) in the SURF1 gene. It is expected to result in an absent or disrupted protein product. Loss-of-function variants in SURF1 are known to be pathogenic (PMID: 10443880, 22488715, 24027061). This variant is present in population databases (rs121918657, gnomAD 0.006%). This premature translational stop signal has been observed in individual(s) with clinical features of SURF1-related conditions (PMID: 9837813, 28639102, 32445240). In at least one individual the data is consistent with being in trans (on the opposite chromosome) from a pathogenic variant. ClinVar contains an entry for this variant (Variation ID: 12762). For these reasons, this variant has been classified as Pathogenic.

Fulgent Genetics
Classification: Pathogenic for Mitochondrial complex IV deficiency, nuclear type 1; Charcot-Marie-Tooth disease type 4K. Last evaluated: 2024-06-01. Review status: criteria provided, single submitter. Criteria: ACMG Guidelines, 2015. Collection method: clinical testing. Allele origin: germline.

Blueprint Genetics
Classification: Pathogenic for SURF1-related disorders. Last evaluated: 2023-05-12. Review status: criteria provided, single submitter. Criteria: ACMG Guidelines, 2015. Collection method: clinical testing. Allele origin: germline. Affected: yes. Observed: 2 variant alleles.

Illumina Laboratory Services, Illumina
Classification: Pathogenic for Mitochondrial disease. Last evaluated: 2023-02-16. Review status: criteria provided, single submitter. Criteria: ICSLVariantClassificationCriteria RUGD 01 April 2020. Collection method: clinical testing. Allele origin: unknown.
Comment: The SURF1 c.751C>T (p.Gln251Ter) nonsense variant results in the premature termination of the protein at amino acid position 251. Loss of normal protein function through either protein truncation or nonsense-mediated mRNA decay is expected. This variant has been reported several times in the literature including in a homozygous or compound heterozygous state (PMID: 9837813; PMID: 23829769; PMID: 34302356). This variant is reported in the Genome Aggregation Database in three alleles at a frequency of 0.000012 in the Total population (version 2.1.1). This variant was identified in trans with a pathogenic variant. Based on the available evidence, the c.751C>T (p.Gln251Ter) variant is classified as pathogenic for primary mitochondrial disorder.

GeneDx
Classification: Pathogenic. Last evaluated: 2018-02-28. Review status: criteria provided, single submitter. Criteria: GeneDx Variant Classification (06012015). Collection method: clinical testing. Allele origin: germline. Affected: yes.
Comment: The Q251X variant has been published in association with Leigh syndrome associated with cytochrome c oxidase deficiency (Tiranti et al. 1998). The Q251X variant is not observed at a significant frequency in large population cohorts (Lek et al., 2016). This variant is predicted to cause loss of normal protein function either through protein truncation or nonsense-mediated mRNA decay. In summary, we interpret this variant as pathogenic.

Women's Health and Genetics/Laboratory Corporation of America, LabCorp
Classification: Pathogenic for Leigh syndrome. Last evaluated: 2016-03-10. Review status: criteria provided, single submitter. Criteria: LabCorp Variant Classification Summary - May 2015. Collection method: clinical testing. Allele origin: germline.
Comment: Variant summary: The c.751C>T variant results in a premature termination codon, predicted to cause a truncated or absent SURF1 protein, which is a commonly known mechanism for disease. Truncations downstream of this position have been classified as pathogenic by our laboratory (e.g.c.758_759delCA/p.Thr253fsX38). One in-silico tool predicts damaging outcome for this variant. This variant is found in 1/121348 control chromosomes at a frequency of 0.0000082, which does not significantly exceed maximal expected frequency of a pathogenic allele (0.0017678). This variant has been reported in 5 LS patients in homozygous or compound heterozygous state. Furthermore, independent studies showed that cells derived from patients have been shown to have reduced COX activity. Additionally, multiple reputable databases classified this variant as pathogenic. Taken together, this variant was classified as pathogenic.

Juno Genomics, Hangzhou Juno Genomics, Inc
Classification: Pathogenic for Charcot-Marie-Tooth disease type 4K; Mitochondrial complex IV deficiency, nuclear type 1. Review status: criteria provided, single submitter. Criteria: ACMG Guidelines, 2015. Collection method: clinical testing. Allele origin: germline.
Comment: Absent from controls (or at extremely low frequency if recessive) in Genome Aggregation Database.;Null variant in a gene where loss of function (LOF) is a known mechanism of disease.;For recessive disorders, detected in trans with a pathogenic variant.;Patient's phenotype or family history is highly specific for a disease with a single genetic etiology.

OMIM
Classification: Pathogenic for MITOCHONDRIAL COMPLEX IV DEFICIENCY, NUCLEAR TYPE 1. Last evaluated: 1998-12-01. Review status: no assertion criteria provided. Collection method: literature only. Allele origin: germline. Not counted in ClinVar's aggregate classification.

Literature cited by the submitters: PubMed 10443880 (cited by Labcorp Genetics (formerly Invitae), Labcorp); PubMed 22488715 (cited by Labcorp Genetics (formerly Invitae), Labcorp); PubMed 24027061 (cited by Labcorp Genetics (formerly Invitae), Labcorp); PubMed 9837813 (cited by 3 submitters); PubMed 28639102 (cited by Labcorp Genetics (formerly Invitae), Labcorp); PubMed 32445240 (cited by Labcorp Genetics (formerly Invitae), Labcorp); PubMed 23829769 (cited by Illumina Laboratory Services, Illumina and Women's Health and Genetics/Laboratory Corporation of America, LabCorp); PubMed 34302356 (cited by Illumina Laboratory Services, Illumina); PubMed 10636738 (cited by Women's Health and Genetics/Laboratory Corporation of America, LabCorp); PubMed 9843204 (cited by OMIM).

NM_003172.4(SURF1):c.751C>T (p.Gln251Ter)

Gene: SURF1 (SURF1 cytochrome c oxidase assembly factor; minus strand). Cytogenetic location: 9q34.2.
Variant type: single nucleotide variant.
Coding change: c.751C>T on transcript NM_003172.4 (MANE Select); coding-DNA position 751, C replaced by T.
Protein change: p.Gln251Ter; replaces glutamine 251 with a stop codon.
Molecular consequence: nonsense.
Genome position (GRCh38, 1-based): chr9:133,352,446, G>A on the plus strand (C>T on the coding strand, the complement: SURF1 is on the minus strand). VCF-style: chr9-133352446-G-A. GRCh37 (hg19) VCF-style: chr9-136219301-G-A.
Other names: 765C-T; c.424C>T, p.Gln142Ter (NM_001280787.1); short protein forms Q251*, Q142*.
Identifiers: ClinVar variation 12762 (VCV000012762.13), dbSNP rs121918657, ClinGen allele CA122692.
Genomic context (GRCh38, chr9:133,352,446, plus strand): 5'-GGAGGAAGGACAGTATTCACAAAAGCTACTTGTTCCGAGATGGGCTGGTCCACAACGTAC[G>A]GAAGTTGGCATCAATGAAGATGGGCTCTGCGCCTGTGATTCTGGCCATAGCTTCCAGGTC-3'